The following is an entry in ClinVar:

ClinVar aggregate classification (germline): Conflicting classifications of pathogenicity. Review status: criteria provided, conflicting classifications (1 of 4 stars). 3 submissions from 3 submitters: Uncertain significance (1); Benign (1). 1 of the submissions does not count toward it. Last evaluated 2025-02-16.

Conditions:
PPP2R2B-related disorder. Also called: PPP2R2B-related condition.

Submissions (3):

Laboratory of Genetics, Children's Clinical University Hospital Latvia
Classification: Benign. Last evaluated: 2025-02-16. Review status: criteria provided, single submitter. Criteria: ACMG Guidelines, 2015. Collection method: clinical testing. Allele origin: germline. Affected: yes.

Genomic Diagnostic Laboratory, Division of Genomic Diagnostics, Children's Hospital of Philadelphia
Classification: Uncertain significance. Last evaluated: 2015-07-17. Review status: criteria provided, single submitter. Criteria: DGD Variant Analysis Guidelines. Collection method: clinical testing. Allele origin: unknown.

PreventionGenetics, part of Exact Sciences
Classification: Benign for PPP2R2B-related condition. Last evaluated: 2020-02-20. Review status: no assertion criteria provided. Collection method: clinical testing. Allele origin: germline. Not counted in ClinVar's aggregate classification.
Comment: This variant is classified as benign based on ACMG/AMP sequence variant interpretation guidelines (Richards et al. 2015 PMID: 25741868, with internal and published modifications).

NM_181675.3(PPP2R2B):c.27[15] (p.Ser10[15])

Genes: PPP2R2B (protein phosphatase 2 regulatory subunit Bbeta; minus strand), LOC108660405 (protein phosphatase 2 regulatory subunit Bbeta repeat instability region; plus strand). Cytogenetic location: 5q32.
Variant type: Microsatellite.
Coding change: c.27[15] on transcript NM_181675.3.
Protein change: p.Ser10[15].
Molecular consequence: intron variant (on NM_001271900.2).
Genome position: GRCh38 VCF-style: chr5-146878727-A-AGCTGCTGCTGCTGCT. GRCh37 (hg19) VCF-style: chr5-146258290-A-AGCTGCTGCTGCTGCT.
Other names: c.43_57dup15 (NM_181675.3); c.51-562AGC[15] (NM_001271900.2); c.79+176908AGC[15] (NM_181676.3); c.75-562AGC[15] (NM_181674.3); c.89-177615AGC[15] (NM_001271899.1); c.-48-22174AGC[15] (NM_181678.2); c.10+156412AGC[15] (NM_181677.2).
Identifiers: ClinVar variation 218860 (VCV000218860.6), dbSNP rs10591869, ClinGen allele CA249260.